The following is an entry in ClinVar:

ClinVar aggregate classification (germline): Uncertain significance. Review status: criteria provided, multiple submitters, no conflicts (2 of 4 stars). 4 submissions from 4 submitters: Uncertain significance (4). Last evaluated 2026-06-23.

Conditions:
Familial thoracic aortic aneurysm and aortic dissection (TAAD). Also called: Thoracic aortic aneurysms and dissections. Identifiers: Orphanet 91387, MedGen C4707243, MONDO:0019625.
Ehlers-Danlos syndrome, classic type, 1 (EDSCL1). Also called: EHLERS-DANLOS SYNDROME, GRAVIS TYPE; EHLERS-DANLOS SYNDROME, SEVERE CLASSIC TYPE; EDS I; Ehlers-Danlos syndrome, type 1; Ehlers-Danlos Syndrome, Classic Type, COL5A1-Related. Identifiers: MedGen C0268335, MONDO:0019567, OMIM 130000.

gnomAD v4.1: 1 of 1,608,382 alleles (0.000062%); highest among the groups gnomAD compares: Admixed American, 0.0017%; no homozygotes.

Submissions (4):

Ambry Genetics
Classification: Uncertain significance for Familial thoracic aortic aneurysm and aortic dissection. Last evaluated: 2026-06-23. Review status: criteria provided, single submitter. Criteria: Ambry Variant Classification Scheme 2023. Collection method: clinical testing. Allele origin: germline.

AiLife Diagnostics
Classification: Uncertain significance. Last evaluated: 2021-09-09. Review status: criteria provided, single submitter. Criteria: ACMG Guidelines, 2015. Collection method: clinical testing. Allele origin: germline. Affected: yes. Observed: 1 variant allele.

Labcorp Genetics (formerly Invitae), Labcorp
Classification: Uncertain significance for Ehlers-Danlos syndrome, classic type, 1. Last evaluated: 2020-03-05. Review status: criteria provided, single submitter. Criteria: Invitae Variant Classification Sherloc (09022015). Collection method: clinical testing. Allele origin: germline.
Comment: This sequence change replaces proline with histidine at codon 1523 of the COL5A1 protein (p.Pro1523His). The proline residue is highly conserved and there is a moderate physicochemical difference between proline and histidine. This variant is not present in population databases (ExAC no frequency). This variant has not been reported in the literature in individuals with COL5A1-related conditions. Algorithms developed to predict the effect of missense changes on protein structure and function are either unavailable or do not agree on the potential impact of this missense change (SIFT: "Deleterious"; PolyPhen-2: "Not Available"; Align-GVGD: "Class C0"). In summary, the available evidence is currently insufficient to determine the role of this variant in disease. Therefore, it has been classified as a Variant of Uncertain Significance.

GeneDx
Classification: Uncertain significance. Last evaluated: 2019-07-10. Review status: criteria provided, single submitter. Criteria: GeneDx Variant Classification Process June 2021. Collection method: clinical testing. Allele origin: germline. Affected: yes.
Comment: Has not been previously published as pathogenic or benign to our knowledge; Not observed in large population cohorts (Lek et al., 2016); In silico analysis, which includes protein predictors and evolutionary conservation, supports a deleterious effect; Occurs in the triple helical domain at the X position in the canonical Gly-X-Y repeat; although this variant may have an effect on normal protein folding and function, missense substitution at the X position is not a common mechanism of disease (Symoens et al., 2012; Stenson et al., 2014)

NM_000093.5(COL5A1):c.4568C>A (p.Pro1523His)

Genes: COL5A1 (collagen type V alpha 1 chain; plus strand), LOC101448202 (uncharacterized LOC101448202; minus strand). Cytogenetic location: 9q34.3.
Variant type: single nucleotide variant.
Coding change: c.4568C>A on transcript NM_000093.5 (MANE Select); coding-DNA position 4568, C replaced by A.
Protein change: p.Pro1523His; replaces proline 1523 with histidine.
Molecular consequence: missense variant.
Genome position (GRCh38, 1-based): chr9:134,822,110, C>A. VCF-style: chr9-134822110-C-A. GRCh37 (hg19) VCF-style: chr9-137713956-C-A.
Other names: c.4568C>A, p.Pro1523His (NM_001278074.1); short protein forms P1523H.
Identifiers: ClinVar variation 851542 (VCV000851542.15), dbSNP rs1378626783, ClinGen allele CA375457981.